The following is an entry in ClinVar:

NM_000215.4(JAK3):c.2153T>C (p.Val718Ala)

Gene: JAK3 (Janus kinase 3; minus strand). Cytogenetic location: 19p13.11.
Variant type: single nucleotide variant.
Coding change: c.2153T>C on transcript NM_000215.4 (MANE Select); coding-DNA position 2153, T replaced by C.
Protein change: p.Val718Ala; replaces valine 718 with alanine.
Molecular consequence: missense variant.
Genome position (GRCh38, 1-based): chr19:17,834,898, A>G on the plus strand (T>C on the coding strand, the complement: JAK3 is on the minus strand). VCF-style: chr19-17834898-A-G. GRCh37 (hg19) VCF-style: chr19-17945707-A-G.
Other names: c.2153T>C, p.Val718Ala (NM_001440439.1); short protein forms V718A.
Identifiers: ClinVar variation 4747485 (VCV004747485.1).

ClinVar aggregate classification (germline): Uncertain significance (1 of 4 stars; one submission).

Conditions:
T-B+ severe combined immunodeficiency due to JAK3 deficiency. Also called: SCID, autosomal recessive, T-negative/B-positive type; SCID, T CELL-NEGATIVE, B CELL-POSITIVE, NK CELL-NEGATIVE. Identifiers: Orphanet 35078, MedGen C1833275, MONDO:0010938, OMIM 600802.

Submission:

Labcorp Genetics (formerly Invitae), Labcorp
Classification: Uncertain significance for T-B+ severe combined immunodeficiency due to JAK3 deficiency. Last evaluated: 2025-12-11. Review status: criteria provided, single submitter. Criteria: Invitae Variant Classification Sherloc (09022015). Collection method: clinical testing. Allele origin: germline.
Comment: This sequence change replaces valine, which is neutral and non-polar, with alanine, which is neutral and non-polar, at codon 718 of the JAK3 protein (p.Val718Ala). This variant is not present in population databases (gnomAD no frequency). This variant has not been reported in the literature in individuals affected with JAK3-related conditions. Invitae Evidence Modeling of protein sequence and biophysical properties (such as structural, functional, and spatial information, amino acid conservation, physicochemical variation, residue mobility, and thermodynamic stability) has been performed for this missense variant. However, the output from this modeling did not meet the statistical confidence thresholds required to predict the impact of this variant on JAK3 protein function. In summary, the available evidence is currently insufficient to determine the role of this variant in disease. Therefore, it has been classified as a Variant of Uncertain Significance.